The following is an entry in ClinVar:

ClinVar aggregate classification (germline): Conflicting classifications of pathogenicity. Review status: criteria provided, conflicting classifications (1 of 4 stars). 4 submissions from 4 submitters: Uncertain significance (1); Benign (1); Likely benign (2). Last evaluated 2025-10-27.

Conditions:
Hereditary cancer-predisposing syndrome. Also called: Hereditary neoplastic syndrome; Tumor predisposition; Hereditary Cancer Syndrome; Neoplastic Syndromes, Hereditary. Identifiers: Orphanet 140162, MedGen C0027672, MeSH D009386, MONDO:0015356.
POLD1-related polyposis and colorectal cancer syndrome (CRCS10). Also called: Colorectal cancer, susceptibility to, 10; Colorectal cancer 10; COLORECTAL CANCER, SUSCEPTIBILITY TO, ON CHROMOSOME 19q. Identifiers: Orphanet 220460, MedGen C2675481, MONDO:0012953, OMIM 612591.

Allele frequency attached by ClinVar (database versions not stated): gnomAD exomes below 0.00001; TOPMed 0.00002; gnomAD 0.00003.
gnomAD v4.1: 5 of 1,600,178 alleles (0.00031%); highest among the groups gnomAD compares: Admixed American, 0.0069%; no homozygotes.

Submissions (4):

Labcorp Genetics (formerly Invitae), Labcorp
Classification: Likely benign for POLD1-related polyposis and colorectal cancer syndrome. Last evaluated: 2025-10-27. Review status: criteria provided, single submitter. Criteria: Invitae Variant Classification Sherloc (09022015). Collection method: clinical testing. Allele origin: germline.

Myriad Genetics, Inc.
Classification: Benign for POLD1-related polyposis and colorectal cancer syndrome. Last evaluated: 2025-02-06. Review status: criteria provided, single submitter. Criteria: Myriad Autosomal Dominant, Autosomal Recessive and X-Linked Classification Criteria (2023). Collection method: clinical testing. Allele origin: unknown.
Comment: This variant is considered benign. This variant is a silent/synonymous amino acid change and it is not expected to impact splicing.

Quest Diagnostics Nichols Institute San Juan Capistrano
Classification: Uncertain significance. Last evaluated: 2023-07-10. Review status: criteria provided, single submitter. Criteria: Quest Diagnostics criteria. Collection method: clinical testing. Allele origin: unknown.
Comment: To the best of our knowledge, this variant has not been reported in individuals with POLD1-related conditions in the published literature. The frequency of this variant in the general population, 0.000064 (2/31370 chromosomes (Genome Aggregation Database)), is uninformative in the assessment of its pathogenicity. Analysis of this variant using software algorithms for the prediction of the effect of nucleotide changes on splicing yielded predictions that this variant does not affect POLD1 mRNA splicing . Based on the available information, we are unable to determine the clinical significance of this variant.

Ambry Genetics
Classification: Likely benign for Hereditary cancer-predisposing syndrome. Last evaluated: 2015-12-07. Review status: criteria provided, single submitter. Criteria: Ambry Variant Classification Scheme 2023. Collection method: clinical testing. Allele origin: germline.

NM_002691.4(POLD1):c.1416C>T (p.Tyr472=)

Gene: POLD1 (DNA polymerase delta 1, catalytic subunit; plus strand). Cytogenetic location: 19q13.33.
Variant type: single nucleotide variant.
Coding change: c.1416C>T on transcript NM_002691.4 (MANE Select); coding-DNA position 1416, C replaced by T.
Protein change: p.Tyr472=; no amino-acid change (tyrosine 472 retained).
Molecular consequence: synonymous variant. On other transcripts: non-coding transcript variant (1).
Genome position (GRCh38, 1-based): chr19:50,406,439, C>T. VCF-style: chr19-50406439-C-T. GRCh37 (hg19) VCF-style: chr19-50909696-C-T.
Other names: c.1416C>T, p.Tyr472= (NM_001256849.1, NM_001308632.1).
Identifiers: ClinVar variation 705801 (VCV000705801.17), dbSNP rs1289561228, ClinGen allele CA508304867.
Genomic context (GRCh38, chr19:50,406,439, plus strand): 5'-CAGCCCACCAGCCCACCCACCCACCTAGGTGCTGCTGCGGGAGTACAAGCTCCGCTCCTA[C>T]ACGCTCAATGCCGTGAGCTTCCACTTCCTGGGCGAGCAGAAGGAGGACGTGCAGCACAGC-3'
Protein context (NP_002682.2, residues 462-482): VLLREYKLRS[Tyr472=]TLNAVSFHFL